The following is an entry in ClinVar:

ClinVar aggregate classification (germline): Uncertain significance (1 of 4 stars; one submission).

Conditions:
Hypertrophic cardiomyopathy 12. Identifiers: MedGen C2677491, MONDO:0012804, OMIM 612124.
Dilated cardiomyopathy 1M (CMD1M). Identifiers: Orphanet 154, MedGen C1843808, MONDO:0011840, OMIM 607482.

Allele frequency attached by ClinVar (database versions not stated): TOPMed below 0.00001.
gnomAD v4.1: 1 of 1,614,152 alleles (0.000062%); highest among the groups gnomAD compares: African/African-American, 0.0013%; no homozygotes.

Submission:

Labcorp Genetics (formerly Invitae), Labcorp
Classification: Uncertain significance for Hypertrophic cardiomyopathy 12; Dilated cardiomyopathy 1M. Last evaluated: 2023-12-19. Review status: criteria provided, single submitter. Criteria: Invitae Variant Classification Sherloc (09022015). Collection method: clinical testing. Allele origin: germline.
Comment: This sequence change replaces alanine, which is neutral and non-polar, with glycine, which is neutral and non-polar, at codon 12 of the CSRP3 protein (p.Ala12Gly). This variant is present in population databases (no rsID available, gnomAD 0.007%). This variant has not been reported in the literature in individuals affected with CSRP3-related conditions. An algorithm developed to predict the effect of missense changes on protein structure and function (PolyPhen-2) suggests that this variant is likely to be disruptive. In summary, the available evidence is currently insufficient to determine the role of this variant in disease. Therefore, it has been classified as a Variant of Uncertain Significance.

NM_003476.5(CSRP3):c.35C>G (p.Ala12Gly)

Gene: CSRP3 (cysteine and glycine rich protein 3; minus strand). Cytogenetic location: 11p15.1.
Variant type: single nucleotide variant.
Coding change: c.35C>G on transcript NM_003476.5 (MANE Select); coding-DNA position 35, C replaced by G.
Protein change: p.Ala12Gly; replaces alanine 12 with glycine.
Molecular consequence: missense variant.
Genome position (GRCh38, 1-based): chr11:19,192,414, G>C on the plus strand (C>G on the coding strand, the complement: CSRP3 is on the minus strand). VCF-style: chr11-19192414-G-C. GRCh37 (hg19) VCF-style: chr11-19213961-G-C.
Other names: c.35C>G, p.Ala12Gly (NM_001127656.1, NM_001369404.1); short protein forms A12G.
Identifiers: ClinVar variation 2930240 (VCV002930240.3), dbSNP rs1188954940, ClinGen allele CA379888638.
Genomic context (GRCh38, chr11:19,192,414, plus strand): 5'-TTGTGGAAACTCCTTCCATTGCACTGGATTTCTTCTGCATGGTAGACGGTCTTTTCACAG[G>C]CTCCACATTTTGCGCCTCCGCCCCAGTTTGGCATCTTGAAGACTATCTGGTCAAGGTCAA-3'
Protein context (NP_003467.1, residues 2-22): PNWGGGAKCG[Ala12Gly]CEKTVYHAEE